The following is an entry in ClinVar:

NM_021831.6(AGBL5):c.1046A>T (p.Glu349Val)

Gene: AGBL5 (AGBL carboxypeptidase 5; plus strand). Cytogenetic location: 2p23.3.
Variant type: single nucleotide variant.
Coding change: c.1046A>T on transcript NM_021831.6 (MANE Select); coding-DNA position 1046, A replaced by T.
Protein change: p.Glu349Val; replaces glutamic acid 349 with valine.
Molecular consequence: missense variant. On other transcripts: non-coding transcript variant (2).
Genome position (GRCh38, 1-based): chr2:27,055,819, A>T. VCF-style: chr2-27055819-A-T. GRCh37 (hg19) VCF-style: chr2-27278687-A-T.
Other names: c.1046A>T (NM_021831.5); c.1046A>T, p.Glu349Val (NM_001035507.3); short protein forms E349V.
Identifiers: ClinVar variation 1022796 (VCV001022796.9), dbSNP rs1668396308, ClinGen allele CA346178834.

ClinVar aggregate classification (germline): Uncertain significance. Review status: criteria provided, multiple submitters, no conflicts (2 of 4 stars). 2 submissions from 2 submitters: Uncertain significance (2). Last evaluated 2024-09-12.

Conditions:
Inborn genetic diseases. Identifiers: MedGen C0950123, MeSH D030342.

Submissions (2):

Ambry Genetics
Classification: Uncertain significance for Inborn genetic diseases. Last evaluated: 2024-09-12. Review status: criteria provided, single submitter. Criteria: Ambry Variant Classification Scheme 2023. Collection method: clinical testing. Allele origin: germline.

Labcorp Genetics (formerly Invitae), Labcorp
Classification: Uncertain significance. Last evaluated: 2022-07-19. Review status: criteria provided, single submitter. Criteria: Invitae Variant Classification Sherloc (09022015). Collection method: clinical testing. Allele origin: germline.
Comment: This variant is not present in population databases (gnomAD no frequency). This variant has not been reported in the literature in individuals affected with AGBL5-related conditions. ClinVar contains an entry for this variant (Variation ID: 1022796). Algorithms developed to predict the effect of missense changes on protein structure and function (SIFT, PolyPhen-2, Align-GVGD) all suggest that this variant is likely to be tolerated. In summary, the available evidence is currently insufficient to determine the role of this variant in disease. Therefore, it has been classified as a Variant of Uncertain Significance. This sequence change replaces glutamic acid, which is acidic and polar, with valine, which is neutral and non-polar, at codon 349 of the AGBL5 protein (p.Glu349Val).